The following is an entry in ClinVar:

ClinVar aggregate classification (germline): Uncertain significance. Review status: criteria provided, multiple submitters, no conflicts (2 of 4 stars). 3 submissions from 3 submitters: Uncertain significance (3). Last evaluated 2026-07-10.

Conditions:
RNF213-related disorder. Also called: RNF213-related condition.
Moyamoya disease 2 (MYMY2). Also called: MOYAMOYA DISEASE 2, SUSCEPTIBILITY TO. Identifiers: Orphanet 2573, MedGen C1846689, MONDO:0011784, OMIM 607151.

gnomAD v4.1: 111 of 1,536,920 alleles (0.0072%); highest among the groups gnomAD compares: Middle Eastern, 0.033%; no homozygotes.

Submissions (3):

PreventionGenetics, part of Exact Sciences
Classification: Uncertain significance for RNF213-related condition. Last evaluated: 2026-07-10. Review status: criteria provided, single submitter. Criteria: ACMG Guidelines, 2015. Collection method: clinical testing. Allele origin: germline.
Comment: The RNF213 c.4316A>G variant is predicted to result in the amino acid substitution p.Asn1439Ser. To our knowledge, this variant has not been reported in the literature. This variant is reported in 0.013% of alleles in individuals of South Asian descent in gnomAD. At this time, the clinical significance of this variant is uncertain due to the absence of conclusive functional and genetic evidence.

Labcorp Genetics (formerly Invitae), Labcorp
Classification: Uncertain significance. Last evaluated: 2024-09-17. Review status: criteria provided, single submitter. Criteria: Invitae Variant Classification Sherloc (09022015). Collection method: clinical testing. Allele origin: germline.
Comment: This sequence change replaces asparagine, which is neutral and polar, with serine, which is neutral and polar, at codon 1439 of the RNF213 protein (p.Asn1439Ser). This variant is present in population databases (rs761802191, gnomAD 0.01%). This variant has not been reported in the literature in individuals affected with RNF213-related conditions. An algorithm developed to predict the effect of missense changes on protein structure and function (PolyPhen-2) suggests that this variant is likely to be tolerated. In summary, the available evidence is currently insufficient to determine the role of this variant in disease. Therefore, it has been classified as a Variant of Uncertain Significance.

Department of Pathology and Laboratory Medicine, Sinai Health System
Classification: Uncertain significance for Moyamoya disease 2. Last evaluated: 2021-07-30. Review status: criteria provided, single submitter. Criteria: ACMG Guidelines, 2015. Collection method: research. Allele origin: germline.

NM_001256071.3(RNF213):c.4316A>G (p.Asn1439Ser)

Gene: RNF213 (ring finger protein 213; plus strand). Cytogenetic location: 17q25.3.
Variant type: single nucleotide variant.
Coding change: c.4316A>G on transcript NM_001256071.3 (MANE Select); coding-DNA position 4316, A replaced by G.
Protein change: p.Asn1439Ser; replaces asparagine 1439 with serine.
Molecular consequence: missense variant.
Genome position (GRCh38, 1-based): chr17:80,336,167, A>G. VCF-style: chr17-80336167-A-G. GRCh37 (hg19) VCF-style: chr17-78309967-A-G.
Other names: c.4316A>G (NM_001256071.2); c.4463A>G, p.Asn1488Ser (NM_001410195.1, NM_020914.5); short protein forms N1439S, N1488S.
Identifiers: ClinVar variation 3713086 (VCV003713086.4).